The following is an entry in ClinVar:

NM_001048174.2(MUTYH):c.288C>A (p.Asp96Glu)

Gene: MUTYH (mutY DNA glycosylase; minus strand). Cytogenetic location: 1p34.1.
Variant type: single nucleotide variant.
Coding change: c.288C>A on transcript NM_001048174.2 (MANE Select); coding-DNA position 288, C replaced by A.
Protein change: p.Asp96Glu; replaces aspartic acid 96 with glutamic acid.
Molecular consequence: missense variant. On other transcripts: non-coding transcript variant (7).
Genome position (GRCh38, 1-based): chr1:45,333,301, G>T on the plus strand (C>A on the coding strand, the complement: MUTYH is on the minus strand). VCF-style: chr1-45333301-G-T. GRCh37 (hg19) VCF-style: chr1-45798973-G-T.
Other names: c.372C>A, p.Asp124Glu (NM_001128425.2); c.333C>A, p.Asp111Glu (NM_001293190.2); c.321C>A, p.Asp107Glu (NM_001293191.2, NM_001407077.1); c.12C>A, p.Asp4Glu (NM_001293192.2, NM_001293196.2, NM_001407091.1); c.288C>A, p.Asp96Glu (NM_001293195.2, NM_001407070.1, NM_001407072.1 and 6 more transcripts); c.17C>A, p.Thr6Lys (NM_001350650.2, NM_001350651.2, NM_001407082.1); c.363C>A, p.Asp121Glu (NM_001407069.1, NM_012222.3); c.291C>A, p.Asp97Glu (NM_001407071.1, NM_001407078.1, NM_001407079.1 and 2 more transcripts); and 3 more; short protein forms D103E, D111E, D124E, D97E, T6K, D107E, D110E, D121E.
Identifiers: ClinVar variation 4113639 (VCV004113639.1).
Genomic context (GRCh38, chr1:45,333,301, plus strand): 5'-GGGCCTCGAGGCAAAGTGGCCCTGCTCTCAGGAGATGTACTGACCAGCATATGCCCGCCT[G>T]TCCAGGTCCATCTCATCTTCTGCCTGTCAATGCAACCCCAGATGAGGAGTTAGGGTGGAG-3'
Protein context (NP_001041639.1, residues 86-106): RRRAEDEMDL[Asp96Glu]RRAYAVWVSE

ClinVar aggregate classification (germline): Uncertain significance (1 of 4 stars; one submission).

Conditions:
Hereditary cancer-predisposing syndrome. Also called: Hereditary neoplastic syndrome; Neoplastic Syndromes, Hereditary; Tumor predisposition; Hereditary Cancer Syndrome. Identifiers: Orphanet 140162, MedGen C0027672, MeSH D009386, MONDO:0015356.

Submission:

Ambry Genetics
Classification: Uncertain significance for Hereditary cancer-predisposing syndrome. Last evaluated: 2025-08-27. Review status: criteria provided, single submitter. Criteria: Ambry Variant Classification Scheme 2023. Collection method: clinical testing. Allele origin: germline.
Comment: The p.D124E variant (also known as c.372C>A), located in coding exon 4 of the MUTYH gene, results from a C to A substitution at nucleotide position 372. The aspartic acid at codon 124 is replaced by glutamic acid, an amino acid with highly similar properties. This amino acid position is conserved. In addition, the in silico prediction for this alteration is inconclusive. Based on the available evidence, the clinical significance of this variant remains unclear.